The following is an entry in ClinVar:

NM_018051.5(DYNC2I1):c.817C>T (p.Gln273Ter)

Gene: DYNC2I1 (dynein 2 intermediate chain 1; plus strand). Cytogenetic location: 7q36.3.
Variant type: single nucleotide variant.
Coding change: c.817C>T on transcript NM_018051.5 (MANE Select); coding-DNA position 817, C replaced by T.
Protein change: p.Gln273Ter; replaces glutamine 273 with a stop codon.
Molecular consequence: nonsense. On other transcripts: synonymous variant (1), 5 prime UTR variant (3).
Genome position (GRCh38, 1-based): chr7:158,879,927, C>T. VCF-style: chr7-158879927-C-T. GRCh37 (hg19) VCF-style: chr7-158672618-C-T.
Other names: c.679C>T, p.Gln227Ter (NM_001350914.2); c.300C>T, p.Thr100= (NM_001350915.2); c.-542C>T (NM_001350916.2); c.-550C>T (NM_001350917.2); c.-669C>T (NM_001350918.2); short protein forms Q227*, Q273*.
Identifiers: ClinVar variation 5007196 (VCV005007196.2).
Genomic context (GRCh38, chr7:158,879,927, plus strand): 5'-GAAGAAAGACATAAAGAAAAGCGACACAAAGAAGGTTTTCATTTTGATGATGAGAGGCAC[C>T]AAAGCAACGTGGATAGAAAAGAGAAATCGGCAAAAGATGAGCCCAGGAAAAGGGAATCCC-3'

ClinVar aggregate classification (germline): Likely pathogenic (1 of 4 stars; one submission).

Conditions:
Short-rib thoracic dysplasia 8 with or without polydactyly (SRTD8). Also called: SHORT-RIB THORACIC DYSPLASIA 8 WITH POLYDACTYLY. Identifiers: Orphanet 93271, MedGen C3809691, MONDO:0014214, OMIM 615503.

gnomAD v4.1: 25 of 1,611,388 alleles (0.0016%); highest among the groups gnomAD compares: Non-Finnish European, 0.0021%; no homozygotes.

Submission:

Juno Genomics, Hangzhou Juno Genomics, Inc
Classification: Likely pathogenic for Short-rib thoracic dysplasia 8 with or without polydactyly. Review status: criteria provided, single submitter. Criteria: ACMG Guidelines, 2015. Collection method: clinical testing. Allele origin: germline.
Comment: Null variant in a gene where loss of function (LOF) is a known mechanism of disease.;Absent from controls (or at extremely low frequency if recessive) in Genome Aggregation Database.